The following is an entry in ClinVar:

NM_003070.5(SMARCA2):c.2853G>T (p.Lys951Asn)

Gene: SMARCA2 (SWI/SNF related BAF chromatin remodeling complex subunit ATPase 2; plus strand). Cytogenetic location: 9p24.3.
Variant type: single nucleotide variant.
Coding change: c.2853G>T on transcript NM_003070.5 (MANE Select); coding-DNA position 2853, G replaced by T.
Protein change: p.Lys951Asn; replaces lysine 951 with asparagine.
Molecular consequence: missense variant.
Genome position (GRCh38, 1-based): chr9:2,088,583, G>T. VCF-style: chr9-2088583-G-T. GRCh37 (hg19) VCF-style: chr9-2088583-G-T.
Other names: c.2853G>T, p.Lys951Asn (NM_001289396.2, NM_139045.4); c.2679G>T, p.Lys893Asn (NM_001289397.2); short protein forms K893N, K951N.
Identifiers: ClinVar variation 3253530 (VCV003253530.1), dbSNP rs1554624100.

ClinVar aggregate classification (germline): Likely pathogenic (1 of 4 stars; one submission).

Submission:

GeneDx
Classification: Likely pathogenic. Last evaluated: 2023-12-05. Review status: criteria provided, single submitter. Criteria: GeneDx Variant Classification Process June 2021. Collection method: clinical testing. Allele origin: germline. Affected: yes.
Comment: Not observed at significant frequency in large population cohorts (gnomAD); In silico analysis supports that this missense variant has a deleterious effect on protein structure/function; Has not been previously published as pathogenic or benign to our knowledge